The following is an entry in ClinVar:

ClinVar aggregate classification (germline): Uncertain significance. Review status: criteria provided, multiple submitters, no conflicts (2 of 4 stars). 3 submissions from 3 submitters: Uncertain significance (3). Last evaluated 2022-04-01.

Conditions:
Ehlers-Danlos syndrome due to tenascin-X deficiency (EDSCLL1). Also called: EDS DUE TO TNX DEFICIENCY; TNX DEFICIENCY; TNXB-Related Classical-Like Ehlers-Danlos Syndrome; EHLERS-DANLOS SYNDROME, CLASSIC-LIKE; Ehlers-Danlos syndrome, classic-like, 1. Identifiers: Orphanet 230839, MedGen C1848029, MONDO:0011670, OMIM 606408.
Vesicoureteral reflux 8 (VUR8). Identifiers: Orphanet 289365, MedGen C4014831, MONDO:0014422, OMIM 615963.
Cardiovascular phenotype. Identifiers: MedGen CN230736.

Allele frequency attached by ClinVar (database versions not stated): gnomAD exomes below 0.00001.
gnomAD v4.1: 4 of 1,609,956 alleles (0.00025%); highest among the groups gnomAD compares: Non-Finnish European, 0.00025%; no homozygotes.

Submissions (3):

Fulgent Genetics
Classification: Uncertain significance for Ehlers-Danlos syndrome due to tenascin-X deficiency; Vesicoureteral reflux 8. Last evaluated: 2022-04-01. Review status: criteria provided, single submitter. Criteria: ACMG Guidelines, 2015. Collection method: clinical testing. Allele origin: unknown.

Ambry Genetics
Classification: Uncertain significance for Cardiovascular phenotype. Last evaluated: 2022-02-09. Review status: criteria provided, single submitter. Criteria: Ambry Variant Classification Scheme 2023. Collection method: clinical testing. Allele origin: germline.
Comment: The p.G2278V variant (also known as c.6833G>T), located in coding exon 18 of the TNXB gene, results from a G to T substitution at nucleotide position 6833. The glycine at codon 2278 is replaced by valine, an amino acid with dissimilar properties. This amino acid position is well conserved in available vertebrate species. In addition, this alteration is predicted to be tolerated by in silico analysis. Since supporting evidence is limited at this time, the clinical significance of this alteration remains unclear.

GeneDx
Classification: Uncertain significance. Last evaluated: 2021-05-26. Review status: criteria provided, single submitter. Criteria: GeneDx Variant Classification Process June 2021. Collection method: clinical testing. Allele origin: germline. Affected: yes.
Comment: Has not been previously published as pathogenic or benign to our knowledge; Not observed at significant frequency in large population cohorts (Lek et al., 2016); In silico analysis supports that this missense variant has a deleterious effect on protein structure/function

NM_001365276.2(TNXB):c.6833G>T (p.Gly2278Val)

Gene: TNXB (tenascin XB; minus strand). Cytogenetic location: 6p21.33.
Variant type: single nucleotide variant.
Coding change: c.6833G>T on transcript NM_001365276.2 (MANE Select); coding-DNA position 6833, G replaced by T.
Protein change: p.Gly2278Val; replaces glycine 2278 with valine.
Molecular consequence: missense variant.
Genome position (GRCh38, 1-based): chr6:32,064,829, C>A on the plus strand (G>T on the coding strand, the complement: TNXB is on the minus strand). VCF-style: chr6-32064829-C-A. GRCh37 (hg19) VCF-style: chr6-32032606-C-A.
Other names: c.6833G>T, p.Gly2278Val (NM_019105.8); short protein forms G2278V.
Identifiers: ClinVar variation 1326711 (VCV001326711.5), dbSNP rs1016095149, ClinGen allele CA136910082.
Genomic context (GRCh38, chr6:32,064,829, plus strand): 5'-GGGAAACTGAGTCTAGTTCAGGGCAGGGCCCAGTGCCCTACTGCACACTCACCAGTTAAA[C>A]CAACAGCAGACACGGGGCCCACGCGCTGGCCACCGTGGAAGCCGTACAGGTTCATCTTGT-3'
Protein context (NP_001352205.1, residues 2268-2288): GQRVGPVSAV[Gly2278Val]LTAPGKDEEM